The following is an entry in ClinVar:

ClinVar aggregate classification (germline): Uncertain significance (1 of 4 stars; one submission).

Conditions:
Glycogen storage disease type X (GSD10). Also called: GSD X; MYOPATHY DUE TO PHOSPHOGLYCERATE MUTASE DEFICIENCY; PGAMM DEFICIENCY; PHOSPHOGLYCERATE MUTASE, MUSCLE, DEFICIENCY OF; Dimauro disease; Glycogen storage disease due to phosphoglycerate mutase deficiency. Identifiers: Orphanet 97234, MedGen C0268149, MONDO:0009865, OMIM 261670.

Submission:

Labcorp Genetics (formerly Invitae), Labcorp
Classification: Uncertain significance for Glycogen storage disease type X. Last evaluated: 2025-05-13. Review status: criteria provided, single submitter. Criteria: Invitae Variant Classification Sherloc (09022015). Collection method: clinical testing. Allele origin: germline.
Comment: This sequence change creates a premature translational stop signal (p.Ser201*) in the PGAM2 gene. While this is not anticipated to result in nonsense mediated decay, it is expected to disrupt the last 53 amino acid(s) of the PGAM2 protein. This variant is not present in population databases (gnomAD no frequency). This variant has not been reported in the literature in individuals affected with PGAM2-related conditions. Experimental studies and prediction algorithms are not available or were not evaluated, and the functional significance of this variant is currently unknown. This variant disrupts the C-terminus of the PGAM2 protein. Other variant(s) that disrupt this region (p.Met230Hisfs*6) have been observed in individuals with PGAM2-related conditions (PMID: 34237446). This suggests that this may be a clinically significant region of the protein. In summary, the available evidence is currently insufficient to determine the role of this variant in disease. Therefore, it has been classified as a Variant of Uncertain Significance.

Literature cited by the submitters: PubMed 34237446.

NM_000290.4(PGAM2):c.602C>A (p.Ser201Ter)

Genes: DBNL (drebrin like; plus strand), PGAM2 (phosphoglycerate mutase 2; minus strand). Cytogenetic location: 7p13.
Variant type: single nucleotide variant.
Coding change: c.602C>A on transcript NM_000290.4 (MANE Select); coding-DNA position 602, C replaced by A.
Protein change: p.Ser201Ter; replaces serine 201 with a stop codon.
Molecular consequence: nonsense. On other transcripts: 3 prime UTR variant (6).
Genome position (GRCh38, 1-based): chr7:44,062,924, G>T on the plus strand (C>A on the coding strand, the complement: PGAM2 is on the minus strand). VCF-style: chr7-44062924-G-T. GRCh37 (hg19) VCF-style: chr7-44102523-G-T.
Other names: c.*2008G>T (NM_001014436.3, NM_001122956.2, NM_001284313.2 and 3 more transcripts); short protein forms S201*.
Identifiers: ClinVar variation 4770775 (VCV004770775.1).